The following is an entry in ClinVar:

ClinVar aggregate classification (germline): Pathogenic (1 of 4 stars; one submission).

Submission:

Labcorp Genetics (formerly Invitae), Labcorp
Classification: Pathogenic. Last evaluated: 2025-04-17. Review status: criteria provided, single submitter. Criteria: Invitae Variant Classification Sherloc (09022015). Collection method: clinical testing. Allele origin: germline.
Comment: This sequence change creates a premature translational stop signal (p.Pro157Alafs*84) in the FOXL2 gene. While this is not anticipated to result in nonsense mediated decay, it is expected to disrupt the last 220 amino acid(s) of the FOXL2 protein. This variant is not present in population databases (gnomAD no frequency). This variant has not been reported in the literature in individuals affected with FOXL2-related conditions. This variant disrupts a region of the FOXL2 protein in which other variant(s) (p.Ala315Profs*41) have been determined to be pathogenic (internal data). This suggests that this is a clinically significant region of the protein, and that variants that disrupt it are likely to be disease-causing. For these reasons, this variant has been classified as Pathogenic.

NM_023067.4(FOXL2):c.462_468dup (p.Pro157fs)

Gene: FOXL2 (forkhead box L2; minus strand). Cytogenetic location: 3q22.3.
Variant type: Duplication.
Coding change: c.462_468dup on transcript NM_023067.4 (MANE Select); coding-DNA positions 462 to 468, 7 bases duplicated (GCCGCCG; older notation c.462_468dupGCCGCCG).
Protein change: p.Pro157fs; shifts the reading frame from proline 157.
Molecular consequence: frameshift variant.
Genome position (GRCh38, 1-based): chr3:138,946,255-138,946,261, CGGCGGC duplicated on the plus strand (GCCGCCG on the coding strand, the reverse complement: FOXL2 is on the minus strand); duplicating any 7 consecutive bases within chr3:138,946,255-138,946,264 gives the same sequence; the c. name uses the placement nearest the transcript's 3' end. VCF-style (leftmost placement, unchanged base first): chr3-138946254-G-GCGGCGGC. GRCh37 (hg19) VCF-style: chr3-138665096-G-GCGGCGGC.
Other names: short protein forms P157fs.
Identifiers: ClinVar variation 4717784 (VCV004717784.1).